The following is an entry in ClinVar:

NM_000245.4(MET):c.1932C>T (p.His644=)

Gene: MET (MET proto-oncogene, receptor tyrosine kinase; plus strand). Cytogenetic location: 7q31.2.
Variant type: single nucleotide variant.
Coding change: c.1932C>T on transcript NM_000245.4 (MANE Select); coding-DNA position 1932, C replaced by T.
Protein change: p.His644=; no amino-acid change (histidine 644 retained).
Molecular consequence: synonymous variant.
Genome position (GRCh38, 1-based): chr7:116,757,506, C>T. VCF-style: chr7-116757506-C-T. GRCh37 (hg19) VCF-style: chr7-116397560-C-T.
Other names: c.1932C>T (NM_001127500.2); c.1932C>T, p.His644= (NM_001127500.3, NM_001324401.3); c.642C>T, p.His214= (NM_001324402.2).
Identifiers: ClinVar variation 198456 (VCV000198456.26), dbSNP rs45520237, ClinGen allele CA247119.

ClinVar aggregate classification (germline): Conflicting classifications of pathogenicity. Review status: criteria provided, conflicting classifications (1 of 4 stars). 7 submissions from 7 submitters: Uncertain significance (1); Benign (2); Likely benign (3). 1 of the submissions does not count toward it. Last evaluated 2026-01-21.

Conditions:
MET-related disorder. Also called: MET-related condition.
Renal cell carcinoma. Identifiers: Orphanet 217071, MedGen C0007134, MeSH D002292, MONDO:0005086, HP:0005584.
Hereditary cancer-predisposing syndrome. Also called: Neoplastic Syndromes, Hereditary; Hereditary Cancer Syndrome; Tumor predisposition; Hereditary neoplastic syndrome. Identifiers: Orphanet 140162, MedGen C0027672, MeSH D009386, MONDO:0015356.
Papillary renal cell carcinoma type 1 (RCCP1). Also called: RENAL CELL CARCINOMA, PAPILLARY, 1, SOMATIC; Renal adenocarcinoma; Renal cell carcinoma 1; Renal cell carcinoma, somatic. Identifiers: Orphanet 47044, MedGen C1336839, OMIM 605074, HP:0011797.

Allele frequency attached by ClinVar (database versions not stated): gnomAD exomes 0.00004 and 0.00013; ExAC 0.00012; gnomAD 0.00024 and 0.00025; ESP Exome Variant Server 0.00025; TOPMed 0.00028; 1000 Genomes Project 0.00060; 1000 Genomes Project 30x 0.00078.
gnomAD v4.1: 99 of 1,613,720 alleles (0.0061%); highest among the groups gnomAD compares: African/African-American, 0.065%; no homozygotes.

Submissions (7):

Labcorp Genetics (formerly Invitae), Labcorp
Classification: Benign for Renal cell carcinoma. Last evaluated: 2026-01-21. Review status: criteria provided, single submitter. Criteria: Invitae Variant Classification Sherloc (09022015). Collection method: clinical testing. Allele origin: germline.

Myriad Genetics, Inc.
Classification: Benign for Papillary renal cell carcinoma type 1. Last evaluated: 2024-11-08. Review status: criteria provided, single submitter. Criteria: Myriad Autosomal Dominant, Autosomal Recessive and X-Linked Classification Criteria (2023). Collection method: clinical testing. Allele origin: unknown.
Comment: This variant is considered benign. This variant is a silent/synonymous amino acid change and it is not expected to impact splicing.

Blueprint Genetics
Classification: Likely benign. Last evaluated: 2023-09-27. Review status: criteria provided, single submitter. Criteria: ACMG Guidelines, 2015. Collection method: clinical testing. Allele origin: germline.

GeneDx
Classification: Likely benign. Last evaluated: 2021-03-22. Review status: criteria provided, single submitter. Criteria: GeneDx Variant Classification Process June 2021. Collection method: clinical testing. Allele origin: germline. Affected: yes.

Ambry Genetics
Classification: Likely benign for Hereditary cancer-predisposing syndrome. Last evaluated: 2015-11-14. Review status: criteria provided, single submitter. Criteria: Ambry Variant Classification Scheme 2023. Collection method: clinical testing. Allele origin: germline.

Eurofins Ntd Llc (ga)
Classification: Uncertain significance. Last evaluated: 2015-05-13. Review status: criteria provided, single submitter. Criteria: EGL Classification Definitions 2015. Collection method: clinical testing. Allele origin: germline. Observed: 1 variant allele, 1 heterozygote.

PreventionGenetics, part of Exact Sciences
Classification: Likely benign for MET-related condition. Last evaluated: 2022-11-04. Review status: no assertion criteria provided. Collection method: clinical testing. Allele origin: germline. Not counted in ClinVar's aggregate classification.
Comment: This variant is classified as likely benign based on ACMG/AMP sequence variant interpretation guidelines (Richards et al. 2015 PMID: 25741868, with internal and published modifications).